The following is an entry in ClinVar:

ClinVar aggregate classification (germline): Uncertain significance (1 of 4 stars; one submission).

Submission:

Labcorp Genetics (formerly Invitae), Labcorp
Classification: Uncertain significance. Last evaluated: 2025-07-08. Review status: criteria provided, single submitter. Criteria: Invitae Variant Classification Sherloc (09022015). Collection method: clinical testing. Allele origin: germline.
Comment: This sequence change replaces lysine, which is basic and polar, with arginine, which is basic and polar, at codon 141 of the IL21 protein (p.Lys141Arg). This variant is not present in population databases (gnomAD no frequency). This variant has not been reported in the literature in individuals affected with IL21-related conditions. An algorithm developed to predict the effect of missense changes on protein structure and function outputs the following: PolyPhen-2: "Benign". The arginine amino acid residue is found in multiple mammalian species, which suggests that this missense change does not adversely affect protein function. In summary, the available evidence is currently insufficient to determine the role of this variant in disease. Therefore, it has been classified as a Variant of Uncertain Significance.

NM_021803.4(IL21):c.422A>G (p.Lys141Arg)

Gene: IL21 (interleukin 21; minus strand). Cytogenetic location: 4q27.
Variant type: single nucleotide variant.
Coding change: c.422A>G on transcript NM_021803.4 (MANE Select); coding-DNA position 422, A replaced by G.
Protein change: p.Lys141Arg; replaces lysine 141 with arginine.
Molecular consequence: missense variant.
Genome position (GRCh38, 1-based): chr4:122,612,867, T>C on the plus strand (A>G on the coding strand, the complement: IL21 is on the minus strand). VCF-style: chr4-122612867-T-C. GRCh37 (hg19) VCF-style: chr4-123534022-T-C.
Other names: c.422A>G, p.Lys141Arg (NM_001207006.3); short protein forms K141R.
Identifiers: ClinVar variation 4765556 (VCV004765556.1).